The following is an entry in ClinVar:

NM_000081.4(LYST):c.2647C>G (p.Pro883Ala)

Gene: LYST (lysosomal trafficking regulator; minus strand). Cytogenetic location: 1q42.3.
Variant type: single nucleotide variant.
Coding change: c.2647C>G on transcript NM_000081.4 (MANE Select); coding-DNA position 2647, C replaced by G.
Protein change: p.Pro883Ala; replaces proline 883 with alanine.
Molecular consequence: missense variant.
Genome position (GRCh38, 1-based): chr1:235,806,489, G>C on the plus strand (C>G on the coding strand, the complement: LYST is on the minus strand). VCF-style: chr1-235806489-G-C. GRCh37 (hg19) VCF-style: chr1-235969789-G-C.
Other names: c.2647C>G, p.Pro883Ala (NM_001301365.1); c.2647C>G (NM_000081.2); short protein forms P883A.
Identifiers: ClinVar variation 945578 (VCV000945578.6), dbSNP rs180889778, ClinGen allele CA1467240.
Genomic context (GRCh38, chr1:235,806,489, plus strand): 5'-AGAGGAATAGGTTTATTGTGTTGATATGAACATCTTGGTTAACAGTCTTCCGTCTCTTTG[G>C]ATAAGCTTCTTTGAGGCCAGCATAAAATTTGCTGAGACTCTGAGGAGAATCTGAATAAGC-3'
Protein context (NP_000072.2, residues 873-893): KFYAGLKEAY[Pro883Ala]KRRKTVNQDV

ClinVar aggregate classification (germline): Conflicting classifications of pathogenicity. Review status: criteria provided, conflicting classifications (1 of 4 stars). 3 submissions from 3 submitters: Uncertain significance (1); Likely benign (2). Last evaluated 2024-02-16.

Conditions:
Inborn genetic diseases. Identifiers: MedGen C0950123, MeSH D030342.
Chédiak-Higashi syndrome (CHS). Also called: Chediak-Higashi Syndrome. Identifiers: Orphanet 167, MedGen C0007965, MONDO:0008963, OMIM 214500.

Allele frequency attached by ClinVar (database versions not stated): gnomAD 0.00003; gnomAD exomes 0.00003; TOPMed 0.00006; ExAC 0.00010; 1000 Genomes Project 0.00020; 1000 Genomes Project 30x 0.00031.
gnomAD v4.1: 24 of 1,614,040 alleles (0.0015%); highest among the groups gnomAD compares: East Asian, 0.053%; no homozygotes.

Submissions (3):

Women's Health and Genetics/Laboratory Corporation of America, LabCorp
Classification: Likely benign. Last evaluated: 2024-02-16. Review status: criteria provided, single submitter. Criteria: LabCorp Variant Classification Summary - May 2015. Collection method: clinical testing. Allele origin: germline.
Comment: Variant summary: LYST c.2647C>G (p.Pro883Ala) results in a non-conservative amino acid change in the encoded protein sequence. Two of four in-silico tools predict a benign effect of the variant on protein function. The variant allele was found at a frequency of 0.00013 in 250662 control chromosomes, predominantly at a frequency of 0.0017 within the East Asian subpopulation in the gnomAD database. The observed variant frequency within East Asian control individuals in the gnomAD database is approximately 2-fold of the estimated maximal expected allele frequency for a pathogenic variant in LYST causing Chediak-Higashi Syndrome phenotype (0.0011), strongly suggesting that the variant is a benign polymorphism found primarily in populations of East Asian origin. To our knowledge, no occurrence of c.2647C>G in individuals affected with Chediak-Higashi Syndrome and no experimental evidence demonstrating its impact on protein function have been reported. ClinVar contains an entry for this variant (Variation ID: 945578). Based on the evidence outlined above, the variant was classified as likely benign.

Ambry Genetics
Classification: Likely benign for Inborn genetic diseases. Last evaluated: 2023-10-25. Review status: criteria provided, single submitter. Criteria: Ambry Variant Classification Scheme 2023. Collection method: clinical testing. Allele origin: germline.

Labcorp Genetics (formerly Invitae), Labcorp
Classification: Uncertain significance for Chédiak-Higashi syndrome. Last evaluated: 2022-07-19. Review status: criteria provided, single submitter. Criteria: Invitae Variant Classification Sherloc (09022015). Collection method: clinical testing. Allele origin: germline.
Comment: This sequence change replaces proline, which is neutral and non-polar, with alanine, which is neutral and non-polar, at codon 883 of the LYST protein (p.Pro883Ala). This variant is present in population databases (rs180889778, gnomAD 0.2%). This variant has not been reported in the literature in individuals affected with LYST-related conditions. ClinVar contains an entry for this variant (Variation ID: 945578). Algorithms developed to predict the effect of missense changes on protein structure and function (SIFT, PolyPhen-2, Align-GVGD) all suggest that this variant is likely to be tolerated. In summary, the available evidence is currently insufficient to determine the role of this variant in disease. Therefore, it has been classified as a Variant of Uncertain Significance.